The following is an entry in ClinVar:

ClinVar aggregate classification (germline): Benign/Likely benign. Review status: criteria provided, multiple submitters, no conflicts (2 of 4 stars). 9 submissions from 9 submitters: Benign (2); Likely benign (5). 2 of the submissions do not count toward it. Last evaluated 2026-01-28.

Conditions:
ATM-related disorder. Also called: ATM-related disorders; ATM-related condition.
Hereditary cancer-predisposing syndrome. Also called: Neoplastic Syndromes, Hereditary; Hereditary neoplastic syndrome; Tumor predisposition; Hereditary Cancer Syndrome. Identifiers: Orphanet 140162, MedGen C0027672, MeSH D009386, MONDO:0015356.
Familial cancer of breast. Also called: hereditary breast carcinoma; Hereditary breast cancer; BREAST CANCER, FAMILIAL. Identifiers: Orphanet 227535, MedGen C0346153, MONDO:0016419, OMIM 114480. Disease mechanism: loss of function.
Ataxia-telangiectasia syndrome (AT). Also called: Ataxia telangiectasia (A-T); Cerebello-oculocutaneous telangiectasia; Immunodeficiency with ataxia telangiectasia; LOUIS-BAR SYNDROME; AT, COMPLEMENTATION GROUP C; ATAXIA-TELANGIECTASIA, FRESNO VARIANT. Identifiers: Orphanet 100, MedGen C0004135, MONDO:0008840, OMIM 208900.
Malignant tumor of breast. Also called: Malignant breast neoplasm; Cancer breast. Identifiers: MedGen C0006142, MONDO:0007254. Disease mechanism: loss of function.

Allele frequency attached by ClinVar (database versions not stated): gnomAD 0.00002 and 0.00001; gnomAD exomes 0.00001 and 0.00004; TOPMed 0.00003; ExAC 0.00002.
gnomAD v4.1: 20 of 1,603,202 alleles (0.0012%); highest among the groups gnomAD compares: East Asian, 0.025%; no homozygotes.

Submissions (9):

Labcorp Genetics (formerly Invitae), Labcorp
Classification: Likely benign for Ataxia-telangiectasia syndrome. Last evaluated: 2026-01-28. Review status: criteria provided, single submitter. Criteria: Invitae Variant Classification Sherloc (09022015). Collection method: clinical testing. Allele origin: germline.

KCCC/NGS Laboratory, Kuwait Cancer Control Center
Classification: Benign for Familial cancer of breast. Last evaluated: 2025-02-01. Review status: criteria provided, single submitter. Criteria: ACMG Guidelines, 2015. Collection method: clinical testing. Allele origin: germline. Affected: no.

Myriad Genetics, Inc.
Classification: Benign for Familial cancer of breast. Last evaluated: 2024-06-18. Review status: criteria provided, single submitter. Criteria: Myriad Autosomal Dominant, Autosomal Recessive and X-Linked Classification Criteria (2023). Collection method: clinical testing. Allele origin: unknown.
Comment: This variant is considered benign. This variant is a silent/synonymous amino acid change and it is not expected to impact splicing.

Sema4
Classification: Likely benign for Hereditary cancer-predisposing syndrome. Last evaluated: 2021-02-18. Review status: criteria provided, single submitter. Criteria: Sema4 Curation Guidelines. Collection method: curation. Allele origin: germline.

GeneDx
Classification: Likely benign. Last evaluated: 2021-02-15. Review status: criteria provided, single submitter. Criteria: GeneDx Variant Classification Process June 2021. Collection method: clinical testing. Allele origin: germline. Affected: yes.

Color Diagnostics, LLC DBA Color Health
Classification: Likely benign for Hereditary cancer-predisposing syndrome. Last evaluated: 2017-01-16. Review status: criteria provided, single submitter. Criteria: ACMG Guidelines, 2015. Collection method: clinical testing. Allele origin: germline.

Ambry Genetics
Classification: Likely benign for Hereditary cancer-predisposing syndrome. Last evaluated: 2015-01-02. Review status: criteria provided, single submitter. Criteria: Ambry Variant Classification Scheme 2023. Collection method: clinical testing. Allele origin: germline.

PreventionGenetics, part of Exact Sciences
Classification: Likely benign for ATM-related condition. Last evaluated: 2020-07-22. Review status: no assertion criteria provided. Collection method: clinical testing. Allele origin: germline. Not counted in ClinVar's aggregate classification.
Comment: This variant is classified as likely benign based on ACMG/AMP sequence variant interpretation guidelines (Richards et al. 2015 PMID: 25741868, with internal and published modifications).

Department of Pathology and Laboratory Medicine, Sinai Health System
Classification: Likely benign for Malignant tumor of breast. Review status: no assertion criteria provided. Collection method: clinical testing. Allele origin: unknown. Affected: yes. Study: The Canadian Open Genetics Repository (COGR). Not counted in ClinVar's aggregate classification.
Comment: The ATM p.Tyr2755= variant was not identified in the literature nor was it identified in the COGR, Cosmic, or LOVD 3.0 database. The variant was identified in dbSNP (ID: rs758654836) as â€šÃ„ÃºWith Likely benign, Pathogenic alleleâ€šÃ„Ã¹, in ClinVar (classified as likely benign by Ambry Genetics, Invitae, Color Genomics, GeneDx), and in the Clinvitae database. The variant was identified in control databases in 11 of 276414 chromosomes at a frequency of 0.00004 (Genome Aggregation Database Feb 27, 2017). It was observed in the East Asian population in 11 of 18816 chromosomes (freq: 0.001), but not in the African, Other, Latino, European, Ashkenazi Jewish, Finnish, and South Asian populations. The p.Tyr2755= variant is not expected to have clinical significance because it does not result in a change of amino acid and is not located in a known consensus splice site. In addition, in silico or computational prediction software programs (SpliceSiteFinder, MaxEntScan, NNSPLICE, GeneSplicer, HumanSpliceFinder) do not predict a difference in splicing. In summary, based on the above information, the clinical significance of this variant cannot be determined with certainty at this time although we would lean towards a more benign role for this variant. This variant is classified as likely benign.

NM_000051.4(ATM):c.8265T>C (p.Tyr2755=)

Genes: ATM (ATM serine/threonine kinase; plus strand), C11orf65 (chromosome 11 open reading frame 65; minus strand). Cytogenetic location: 11q22.3.
Variant type: single nucleotide variant.
Coding change: c.8265T>C on transcript NM_000051.4 (MANE Select); coding-DNA position 8265, T replaced by C.
Protein change: p.Tyr2755=; no amino-acid change (tyrosine 2755 retained).
Molecular consequence: synonymous variant. On other transcripts: intron variant (2).
Genome position (GRCh38, 1-based): chr11:108,335,958, T>C. VCF-style: chr11-108335958-T-C. GRCh37 (hg19) VCF-style: chr11-108206685-T-C.
Other names: c.8265T>C, p.Tyr2755= (NM_001351834.2); c.641-26887A>G (NM_001330368.2); c.695-666A>G (NM_001351110.2).
Identifiers: ClinVar variation 229903 (VCV000229903.32), dbSNP rs758654836, ClinGen allele CA6266325.